The following is an entry in ClinVar:

ClinVar aggregate classification (germline): Pathogenic/Likely pathogenic. Review status: criteria provided, multiple submitters, no conflicts (2 of 4 stars). 2 submissions from 2 submitters: Pathogenic (1); Likely pathogenic (1). Last evaluated 2023-01-11.

Conditions:
Hyperkalemic periodic paralysis. Also called: Familial hyperkalemic periodic paralysis; Gamstorp disease. Identifiers: Orphanet 682, MedGen C0238357, MONDO:0008224, OMIM 170500, HP:0007215.

Submissions (2):

Athena Diagnostics
Classification: Likely pathogenic. Last evaluated: 2023-01-11. Review status: criteria provided, single submitter. Criteria: Athena Diagnostics Criteria. Collection method: clinical testing. Allele origin: unknown.
Comment: This variant appears to segregate with disease in a family, however, the available information does not rule out segregation due to chance. This variant has not been reported in large, multi-ethnic general populations. Computational tools predict that this variant is damaging.

Labcorp Genetics (formerly Invitae), Labcorp
Classification: Pathogenic for Hyperkalemic periodic paralysis. Last evaluated: 2021-05-06. Review status: criteria provided, single submitter. Criteria: Invitae Variant Classification Sherloc (09022015). Collection method: clinical testing. Allele origin: germline.
Comment: This variant has been observed in individual(s) with clinical features of periodic paralysis (Invitae). ClinVar contains an entry for this variant (Variation ID: 586521). This variant is not present in population databases (ExAC no frequency). This sequence change replaces methionine with valine at codon 1476 of the SCN4A protein (p.Met1476Val). The methionine residue is highly conserved and there is a small physicochemical difference between methionine and valine. For these reasons, this variant has been classified as Pathogenic. This variant disrupts the p.Met1476 amino acid residue in SCN4A. Other variant(s) that disrupt this residue have been determined to be pathogenic (PMID: 22250216, 17998485, 27060299). This suggests that this residue is clinically significant, and that variants that disrupt this residue are likely to be disease-causing. Algorithms developed to predict the effect of missense changes on protein structure and function are either unavailable or do not agree on the potential impact of this missense change (SIFT: "Deleterious"; PolyPhen-2: "Benign"; Align-GVGD: "Class C15").

Literature cited by the submitters: PubMed 22250216 (cited by Labcorp Genetics (formerly Invitae), Labcorp); PubMed 17998485 (cited by Labcorp Genetics (formerly Invitae), Labcorp); PubMed 27060299 (cited by Labcorp Genetics (formerly Invitae), Labcorp).

NM_000334.4(SCN4A):c.4426A>G (p.Met1476Val)

Genes: SCN4A (sodium voltage-gated channel alpha subunit 4; minus strand), GH-LCR (growth hormone locus control region; plus strand). Cytogenetic location: 17q23.3.
Variant type: single nucleotide variant.
Coding change: c.4426A>G on transcript NM_000334.4 (MANE Select); coding-DNA position 4426, A replaced by G.
Protein change: p.Met1476Val; replaces methionine 1476 with valine.
Molecular consequence: missense variant.
Genome position (GRCh38, 1-based): chr17:63,941,856, T>C on the plus strand (A>G on the coding strand, the complement: SCN4A is on the minus strand). VCF-style: chr17-63941856-T-C. GRCh37 (hg19) VCF-style: chr17-62019216-T-C.
Other names: short protein forms M1476V.
Identifiers: ClinVar variation 586521 (VCV000586521.12), dbSNP rs1567816461, ClinGen allele CA400616050.
Genomic context (GRCh38, chr17:63,941,856, plus strand): 5'-AGATGAACATGACCAGGAAGAGGAGGAGGCCGATGTTGAAGAGGGCAGGCAGCGACATCA[T>C]GAGGGCGAACAGCAGCGTCCGGATGCCCTTGGCCCCGCGGATCAGCCGCAGGACACGCCC-3'
Protein context (NP_000325.4, residues 1466-1486): KGIRTLLFAL[Met1476Val]MSLPALFNIG